The following is an entry in ClinVar:

NM_001165963.4(SCN1A):c.2771C>T (p.Ala924Val)

Gene: SCN1A (sodium voltage-gated channel alpha subunit 1; minus strand). Cytogenetic location: 2q24.3.
Variant type: single nucleotide variant.
Coding change: c.2771C>T on transcript NM_001165963.4 (MANE Select); coding-DNA position 2771, C replaced by T.
Protein change: p.Ala924Val; replaces alanine 924 with valine.
Molecular consequence: missense variant. On other transcripts: non-coding transcript variant (1).
Genome position (GRCh38, 1-based): chr2:166,037,951, G>A on the plus strand (C>T on the coding strand, the complement: SCN1A is on the minus strand). VCF-style: chr2-166037951-G-A. GRCh37 (hg19) VCF-style: chr2-166894461-G-A.
Other names: c.2687C>T, p.Ala896Val (NM_001165964.3, NM_001353957.2, NM_001353958.2); c.2771C>T, p.Ala924Val (NM_001202435.3, NM_001353948.2); c.2738C>T, p.Ala913Val (NM_001353949.2, NM_001353950.2, NM_001353951.2 and 2 more transcripts); c.2735C>T, p.Ala912Val (NM_001353954.2, NM_001353955.2); c.2684C>T, p.Ala895Val (NM_001353960.2); c.329C>T, p.Ala110Val (NM_001353961.2); short protein forms A924V, A110V, A896V, A912V, A895V, A913V.
Identifiers: ClinVar variation 835065 (VCV000835065.10), dbSNP rs1696642330, ClinGen allele CA349061407.

ClinVar aggregate classification (germline): Uncertain significance (1 of 4 stars; one submission).

Conditions:
Early-infantile DEE. Also called: Ohtahara syndrome; Early infantile epileptic encephalopathy with suppression bursts; Early infantile epileptic encephalopathy. Identifiers: Orphanet 1934, MedGen C0393706, MONDO:0800491.

Submission:

Labcorp Genetics (formerly Invitae), Labcorp
Classification: Uncertain significance for Early-infantile DEE. Last evaluated: 2025-06-08. Review status: criteria provided, single submitter. Criteria: Invitae Variant Classification Sherloc (09022015). Collection method: clinical testing. Allele origin: germline.
Comment: This sequence change replaces alanine, which is neutral and non-polar, with valine, which is neutral and non-polar, at codon 924 of the SCN1A protein (p.Ala924Val). This variant is not present in population databases (gnomAD no frequency). This variant has not been reported in the literature in individuals affected with SCN1A-related conditions. ClinVar contains an entry for this variant (Variation ID: 835065). Invitae Evidence Modeling of protein sequence and biophysical properties (such as structural, functional, and spatial information, amino acid conservation, physicochemical variation, residue mobility, and thermodynamic stability) indicates that this missense variant is not expected to disrupt SCN1A protein function with a negative predictive value of 95%. In summary, the available evidence is currently insufficient to determine the role of this variant in disease. Therefore, it has been classified as a Variant of Uncertain Significance.